The following is an entry in ClinVar:

ClinVar aggregate classification (germline): Uncertain significance (1 of 4 stars; one submission).

Conditions:
Usher syndrome type 2A. Also called: RETINAL DISEASE IN USHER SYNDROME TYPE IIA, MODIFIER OF; USHER SYNDROME, TYPE IIA. Identifiers: Orphanet 231178, Orphanet 886, MedGen C1848634, MONDO:0010169, OMIM 276901.

Submission:

Laboratory of Molecular, Cellular and Translation Genetics in Otolaryngology/ Lim32-hcfmusp, University of Sao Paulo School of Medicine Clinics Hospital
Classification: Uncertain significance for Usher syndrome type 2A. Last evaluated: 2026-04-30. Review status: criteria provided, single submitter. Criteria: ClinGen HL ACMG Specifications v1. Collection method: research. Allele origin: germline. Affected: yes.
Comment: NM_206933.4:c.3157+6T>C. This variant has been classified as a variant of uncertain significance (VUS). It is absent from population databases (PM2). In silico prediction tools support a potential impact on splicing (PP3). Although the available evidence is insufficient to establish a definitive causal role, the presence of this variant in trans with a loss-of-function USH2A variant makes it a strong candidate for the observed phenotype.

Literature cited by the submitters: PubMed 42233699.

NM_206933.4(USH2A):c.3157+6T>C

Genes: USH2A (usherin; minus strand), USH2A-AS1 (USH2A antisense RNA 1; plus strand). Cytogenetic location: 1q41.
Variant type: single nucleotide variant.
Coding change: c.3157+6T>C on transcript NM_206933.4 (MANE Select); 6 bases into the intron after coding-DNA position 3157, T replaced by C.
Molecular consequence: intron variant.
Genome position (GRCh38, 1-based): chr1:216,217,381, A>G on the plus strand (T>C on the coding strand, the complement: USH2A is on the minus strand). VCF-style: chr1-216217381-A-G. GRCh37 (hg19) VCF-style: chr1-216390723-A-G.
Other names: c.3157+6T>C (NM_007123.6).
Identifiers: ClinVar variation 4852828 (VCV004852828.1), dbSNP rs952449338.